The following is an entry in ClinVar:

ClinVar aggregate classification (germline): Uncertain significance (1 of 4 stars; one submission).

Conditions:
Dilated cardiomyopathy 1O (CMD1O). Also called: CARDIOMYOPATHY, DILATED, WITH VENTRICULAR TACHYCARDIA. Identifiers: Orphanet 154, MedGen C1837839, MONDO:0012062, OMIM 608569.

Submission:

Labcorp Genetics (formerly Invitae), Labcorp
Classification: Uncertain significance for Dilated cardiomyopathy 1O. Last evaluated: 2021-10-23. Review status: criteria provided, single submitter. Criteria: Invitae Variant Classification Sherloc (09022015). Collection method: clinical testing. Allele origin: germline.
Comment: In summary, the available evidence is currently insufficient to determine the role of this variant in disease. Therefore, it has been classified as a Variant of Uncertain Significance. Algorithms developed to predict the effect of missense changes on protein structure and function are either unavailable or do not agree on the potential impact of this missense change (SIFT: "Deleterious"; PolyPhen-2: "Probably Damaging"; Align-GVGD: "Class C0"). This variant has not been reported in the literature in individuals affected with ABCC9-related conditions. This variant is not present in population databases (ExAC no frequency). This sequence change replaces leucine with proline at codon 1427 of the ABCC9 protein (p.Leu1427Pro). The leucine residue is moderately conserved and there is a moderate physicochemical difference between leucine and proline.

NM_020297.4(ABCC9):c.4280T>C (p.Leu1427Pro)

Genes: ABCC9 (ATP binding cassette subfamily C member 9; minus strand), KCNJ8-AS1 (KCNJ8 antisense RNA 1; plus strand). Cytogenetic location: 12p12.1.
Variant type: single nucleotide variant.
Coding change: c.4280T>C on transcript NM_020297.4 (MANE Select); coding-DNA position 4280, T replaced by C.
Protein change: p.Leu1427Pro; replaces leucine 1427 with proline.
Molecular consequence: missense variant.
Genome position (GRCh38, 1-based): chr12:21,809,887, A>G on the plus strand (T>C on the coding strand, the complement: ABCC9 is on the minus strand). VCF-style: chr12-21809887-A-G. GRCh37 (hg19) VCF-style: chr12-21962821-A-G.
Other names: c.4280T>C, p.Leu1427Pro (NM_001377273.1, NM_005691.4); c.3413T>C, p.Leu1138Pro (NM_001377274.1); short protein forms L1427P, L1138P.
Identifiers: ClinVar variation 1450170 (VCV001450170.6), dbSNP rs2137133776, ClinGen allele CA384133146.